The following is an entry in ClinVar:

NM_001197104.2(KMT2A):c.4508A>G (p.Asn1503Ser)

Gene: KMT2A (lysine methyltransferase 2A; plus strand). Cytogenetic location: 11q23.3.
Variant type: single nucleotide variant.
Coding change: c.4508A>G on transcript NM_001197104.2 (MANE Select); coding-DNA position 4508, A replaced by G.
Protein change: p.Asn1503Ser; replaces asparagine 1503 with serine.
Molecular consequence: missense variant.
Genome position (GRCh38, 1-based): chr11:118,489,820, A>G. VCF-style: chr11-118489820-A-G. GRCh37 (hg19) VCF-style: chr11-118360535-A-G.
Other names: c.4607A>G, p.Asn1536Ser (NM_001412597.1); c.4508A>G, p.Asn1503Ser (NM_005933.4); short protein forms N1503S, N1536S.
Identifiers: ClinVar variation 3634320 (VCV003634320.2).

ClinVar aggregate classification (germline): Uncertain significance (1 of 4 stars; one submission).

gnomAD v4.1: 1 of 1,614,200 alleles (0.000062%); highest among the groups gnomAD compares: Non-Finnish European, 0.000085%; no homozygotes.

Submission:

Labcorp Genetics (formerly Invitae), Labcorp
Classification: Uncertain significance. Last evaluated: 2024-12-10. Review status: criteria provided, single submitter. Criteria: Invitae Variant Classification Sherloc (09022015). Collection method: clinical testing. Allele origin: germline.
Comment: This sequence change replaces asparagine, which is neutral and polar, with serine, which is neutral and polar, at codon 1503 of the KMT2A protein (p.Asn1503Ser). This variant is not present in population databases (gnomAD no frequency). This variant has not been reported in the literature in individuals affected with KMT2A-related conditions. Invitae Evidence Modeling of protein sequence and biophysical properties (such as structural, functional, and spatial information, amino acid conservation, physicochemical variation, residue mobility, and thermodynamic stability) has been performed for this missense variant. However, the output from this modeling did not meet the statistical confidence thresholds required to predict the impact of this variant on KMT2A protein function. In summary, the available evidence is currently insufficient to determine the role of this variant in disease. Therefore, it has been classified as a Variant of Uncertain Significance.